The following is an entry in ClinVar:

NM_001754.5(RUNX1):c.730G>T (p.Ala244Ser)

Gene: RUNX1 (RUNX family transcription factor 1; minus strand). Cytogenetic location: 21q22.12.
Variant type: single nucleotide variant.
Coding change: c.730G>T on transcript NM_001754.5 (MANE Select); coding-DNA position 730, G replaced by T.
Protein change: p.Ala244Ser; replaces alanine 244 with serine.
Molecular consequence: missense variant.
Genome position (GRCh38, 1-based): chr21:34,834,485, C>A on the plus strand (G>T on the coding strand, the complement: RUNX1 is on the minus strand). VCF-style: chr21-34834485-C-A. GRCh37 (hg19) VCF-style: chr21-36206782-C-A.
Other names: c.649G>T, p.Ala217Ser (NM_001001890.3, NM_001122607.2); short protein forms A244S, A217S.
Identifiers: ClinVar variation 5028582 (VCV005028582.1).

ClinVar aggregate classification (germline): Uncertain significance (1 of 4 stars; one submission).

Conditions:
Inborn genetic diseases. Identifiers: MedGen C0950123, MeSH D030342.

Submission:

Ambry Genetics
Classification: Uncertain significance for Inborn genetic diseases. Last evaluated: 2026-07-07. Review status: criteria provided, single submitter. Criteria: Ambry Variant Classification Scheme 2023. Collection method: clinical testing. Allele origin: germline.
Comment: The p.A244S variant (also known as c.730G>T), located in coding exon 6 of the RUNX1 gene, results from a G to T substitution at nucleotide position 730. The alanine at codon 244 is replaced by serine, an amino acid with similar properties. This amino acid position is conserved. In addition, the in silico prediction for this alteration is inconclusive. Based on the available evidence, the clinical significance of this variant remains unclear.